The following is an entry in ClinVar:

ClinVar aggregate classification (germline): Pathogenic (1 of 4 stars; one submission).

Conditions:
Retinal disorder. Also called: Retinal disorders; Retinopathies; Retinal Diseases; Retinopathy. Identifiers: MedGen C0035309, MONDO:0005283, HP:0000488.

gnomAD v4.1: 2 of 1,613,542 alleles (0.00012%); highest among the groups gnomAD compares: Non-Finnish European, 0.00017%; no homozygotes.

Submission:

Genetics Laboratory, Great Ormond Street Hospital NHS Foundation Trust, North Thames Genomic Laboratory Hub
Classification: Pathogenic for Retinal disorders. Last evaluated: 2025-12-18. Review status: criteria provided, single submitter. Criteria: ACGS Best Practice Guidelines for Variant Classification in Rare Disease 2024 v1.2. Collection method: clinical testing. Allele origin: germline. Affected: yes.
Comment: PM2_moderate, PVS1_very-strong, PS1_supporting

NM_002335.4(LRP5):c.3237-1G>A

Gene: LRP5 (LDL receptor related protein 5; plus strand). Cytogenetic location: 11q13.2.
Variant type: single nucleotide variant.
Coding change: c.3237-1G>A on transcript NM_002335.4 (MANE Select); the canonical splice acceptor site of the intron before coding-DNA position 3237, G replaced by A.
Molecular consequence: splice acceptor variant.
Genome position (GRCh38, 1-based): chr11:68,425,101, G>A. VCF-style: chr11-68425101-G-A. GRCh37 (hg19) VCF-style: chr11-68192569-G-A.
Other names: c.1494-1G>A (NM_001291902.2).
Identifiers: ClinVar variation 4795100 (VCV004795100.1).